The following is an entry in ClinVar:

ClinVar aggregate classification (germline): Conflicting classifications of pathogenicity. Review status: criteria provided, conflicting classifications (1 of 4 stars). 5 submissions from 5 submitters: Uncertain significance (4); Likely benign (1). Last evaluated 2025-10-26.

Conditions:
Hereditary breast ovarian cancer syndrome. Also called: Hereditary breast and/or ovarian cancer syndrome; BRCA1- and BRCA2-Associated Hereditary Breast and Ovarian Cancer; Hereditary breast and ovarian cancer syndrome; Hereditary breast and ovarian cancer; Hereditary breast and ovarian cancer syndrome (HBOC); Breast and ovarian cancer. Identifiers: Orphanet 145, MedGen C0677776, MeSH D061325, MONDO:0003582. Disease mechanism: loss of function.
Hereditary cancer-predisposing syndrome. Also called: Neoplastic Syndromes, Hereditary; Tumor predisposition; Hereditary Cancer Syndrome; Hereditary neoplastic syndrome. Identifiers: Orphanet 140162, MedGen C0027672, MeSH D009386, MONDO:0015356.

Submissions (5):

Labcorp Genetics (formerly Invitae), Labcorp
Classification: Uncertain significance for Hereditary breast ovarian cancer syndrome. Last evaluated: 2025-10-26. Review status: criteria provided, single submitter. Criteria: Invitae Variant Classification Sherloc (09022015). Collection method: clinical testing. Allele origin: germline.
Comment: This sequence change replaces serine, which is neutral and polar, with arginine, which is basic and polar, at codon 588 of the BRCA1 protein (p.Ser588Arg). This variant is not present in population databases (gnomAD no frequency). This variant has not been reported in the literature in individuals affected with BRCA1-related conditions. ClinVar contains an entry for this variant (Variation ID: 820039). Invitae Evidence Modeling of protein sequence and biophysical properties (such as structural, functional, and spatial information, amino acid conservation, physicochemical variation, residue mobility, and thermodynamic stability) indicates that this missense variant is not expected to disrupt BRCA1 protein function with a negative predictive value of 80%. In summary, the available evidence is currently insufficient to determine the role of this variant in disease. Therefore, it has been classified as a Variant of Uncertain Significance.

Ambry Genetics
Classification: Uncertain significance for Hereditary cancer-predisposing syndrome. Last evaluated: 2024-04-12. Review status: criteria provided, single submitter. Criteria: Ambry Variant Classification Scheme 2023. Collection method: clinical testing. Allele origin: germline.
Comment: The p.S588R variant (also known as c.1764C>G), located in coding exon 9 of the BRCA1 gene, results from a C to G substitution at nucleotide position 1764. The serine at codon 588 is replaced by arginine, an amino acid with dissimilar properties. This amino acid position is well conserved in available vertebrate species. In addition, the in silico prediction for this alteration is inconclusive. Based on the available evidence, the clinical significance of this variant remains unclear.

GeneDx
Classification: Uncertain significance. Last evaluated: 2023-11-20. Review status: criteria provided, single submitter. Criteria: GeneDx Variant Classification Process June 2021. Collection method: clinical testing. Allele origin: germline. Affected: yes.
Comment: Not observed at significant frequency in large population cohorts (gnomAD); In silico analysis supports that this missense variant has a deleterious effect on protein structure/function; Has not been previously published as pathogenic or benign to our knowledge; Also known as 1883C>G; This variant is associated with the following publications: (PMID: 15343273)

University of Washington Department of Laboratory Medicine, University of Washington
Classification: Likely benign for Hereditary cancer-predisposing syndrome. Last evaluated: 2023-03-23. Review status: criteria provided, single submitter. Criteria: Dines et al. (Genet Med. 2020). Collection method: curation. Allele origin: germline.
Comment: Missense variant in a coldspot region where missense variants are very unlikely to be pathogenic (PMID:31911673).

BRCA1 coldspot (exon 11 using historical exon numbering). Reclassification based on statistical prior probability

ARUP Laboratories, Molecular Genetics and Genomics, ARUP Laboratories
Classification: Uncertain significance. Last evaluated: 2019-09-04. Review status: criteria provided, single submitter. Criteria: ARUP Molecular Germline Variant Investigation Process. Collection method: clinical testing. Allele origin: germline.
Comment: The BRCA1 c.1764C>G; p.Ser588Arg variant, to our knowledge, is not reported in the medical literature or gene specific databases. This variant is also absent from general population databases (Exome Variant Server, Genome Aggregation Database), indicating it is not a common polymorphism. The serine at codon 588 is moderately conserved, and computational analyses (SIFT, PolyPhen-2) predict that this variant is deleterious. Given the lack of clinical and functional data, the significance of the p.Ser588Arg variant is uncertain at this time.

NM_007294.4(BRCA1):c.1764C>G (p.Ser588Arg)

Gene: BRCA1 (BRCA1 DNA repair associated; minus strand). Cytogenetic location: 17q21.31.
Variant type: single nucleotide variant.
Coding change: c.1764C>G on transcript NM_007294.4 (MANE Select); coding-DNA position 1764, C replaced by G.
Protein change: p.Ser588Arg; replaces serine 588 with arginine.
Molecular consequence: missense variant. On other transcripts: intron variant (137).
Genome position (GRCh38, 1-based): chr17:43,093,767, G>C on the plus strand (C>G on the coding strand, the complement: BRCA1 is on the minus strand). VCF-style: chr17-43093767-G-C. GRCh37 (hg19) VCF-style: chr17-41245784-G-C.
Other names: c.548-2735C>G (NM_001408494.1); c.664+977C>G (NM_001408444.1, NM_001408438.1, NM_001408430.1 and 12 more transcripts); c.670+2079C>G (NM_001408420.1, NM_001408423.1, NM_001408419.1 and 2 more transcripts); c.787+977C>G (NM_007299.4, NM_001408404.1, NM_001408472.1 and 19 more transcripts); c.523+977C>G (NM_001408501.1, NM_001408498.1, NM_001408500.1 and 3 more transcripts); c.646+977C>G (NM_001408455.1, NM_001408458.1, NM_001408469.1 and 11 more transcripts); c.577+977C>G (NM_001408513.1, NM_001408492.1, NM_001408481.1 and 9 more transcripts); c.643+977C>G (NM_001408468.1, NM_001408470.1, NM_001408464.1 and 3 more transcripts); and 40 more; short protein forms S541R, S588R, S292R, S461R, S476R, S477R, S517R, S499R.
Identifiers: ClinVar variation 820039 (VCV000820039.16), dbSNP rs1597874296, ClinGen allele CA10598498.